The following is an entry in ClinVar:

ClinVar aggregate classification (germline): Uncertain significance (1 of 4 stars; one submission).

Conditions:
LRRC45-related disorder. Also called: LRRC45-related condition.

gnomAD v4.1: 3 of 1,498,104 alleles (0.0002%); highest among the groups gnomAD compares: Non-Finnish European, 0.00027%; no homozygotes.

Submission:

PreventionGenetics, part of Exact Sciences
Classification: Uncertain significance for LRRC45-related condition. Last evaluated: 2025-04-14. Review status: criteria provided, single submitter. Criteria: ACMG Guidelines, 2015. Collection method: clinical testing. Allele origin: germline.
Comment: The LRRC45 c.1937G>A variant is predicted to result in the amino acid substitution p.Arg646Lys. To our knowledge, this variant has not been reported in the literature or in a large population database (gnomAD), indicating this variant is rare. At this time, the clinical significance of this variant is uncertain due to the absence of conclusive functional and genetic evidence.

NM_144999.4(LRRC45):c.1937G>A (p.Arg646Lys)

Gene: LRRC45 (leucine rich repeat containing 45; plus strand). Cytogenetic location: 17q25.3.
Variant type: single nucleotide variant.
Coding change: c.1937G>A on transcript NM_144999.4 (MANE Select); coding-DNA position 1937, G replaced by A.
Protein change: p.Arg646Lys; replaces arginine 646 with lysine.
Molecular consequence: missense variant.
Genome position (GRCh38, 1-based): chr17:82,030,729, G>A. VCF-style: chr17-82030729-G-A. GRCh37 (hg19) VCF-style: chr17-79988605-G-A.
Other names: short protein forms R646K.
Identifiers: ClinVar variation 4997470 (VCV004997470.1).